The following is an entry in ClinVar:

NM_001854.4(COL11A1):c.1417C>A (p.Pro473Thr)

Gene: COL11A1 (collagen type XI alpha 1 chain; minus strand). Cytogenetic location: 1p21.1.
Variant type: single nucleotide variant.
Coding change: c.1417C>A on transcript NM_001854.4 (MANE Select); coding-DNA position 1417, C replaced by A.
Protein change: p.Pro473Thr; replaces proline 473 with threonine.
Molecular consequence: missense variant. On other transcripts: non-coding transcript variant (1).
Genome position (GRCh38, 1-based): chr1:103,015,739, G>T on the plus strand (C>A on the coding strand, the complement: COL11A1 is on the minus strand). VCF-style: chr1-103015739-G-T. GRCh37 (hg19) VCF-style: chr1-103481295-G-T.
Other names: c.1300C>A, p.Pro434Thr (NM_001190709.2); c.1453C>A, p.Pro485Thr (NM_080629.3); c.1069C>A, p.Pro357Thr (NM_080630.4); short protein forms P473T, P434T, P357T, P485T.
Identifiers: ClinVar variation 1376287 (VCV001376287.7), dbSNP rs1180040869, ClinGen allele CA341179588.

ClinVar aggregate classification (germline): Uncertain significance. Review status: criteria provided, single submitter (1 of 4 stars). 2 submissions from 2 submitters: Uncertain significance (1). 1 of the submissions does not count toward it. Last evaluated 2021-08-28.

Conditions:
Retinal dystrophy. Also called: Inherited retinal dystrophy. Identifiers: Orphanet 71862, MedGen C0854723, MeSH D058499, MONDO:0019118, HP:0000556.

gnomAD v4.1: 1 of 1,597,946 alleles (0.000063%); highest among the groups gnomAD compares: Non-Finnish European, 0.000085%; no homozygotes.

Submissions (2):

Labcorp Genetics (formerly Invitae), Labcorp
Classification: Uncertain significance. Last evaluated: 2021-08-28. Review status: criteria provided, single submitter. Criteria: Invitae Variant Classification Sherloc (09022015). Collection method: clinical testing. Allele origin: germline.
Comment: This sequence change replaces proline with threonine at codon 473 of the COL11A1 protein (p.Pro473Thr). The proline residue is highly conserved and there is a small physicochemical difference between proline and threonine. This variant is not present in population databases (ExAC no frequency). This variant has not been reported in the literature in individuals affected with COL11A1-related conditions. Advanced modeling of protein sequence and biophysical properties (such as structural, functional, and spatial information, amino acid conservation, physicochemical variation, residue mobility, and thermodynamic stability) performed at Invitae indicates that this missense variant is not expected to disrupt COL11A1 protein function. In summary, the available evidence is currently insufficient to determine the role of this variant in disease. Therefore, it has been classified as a Variant of Uncertain Significance.

Institute of Human Genetics, Univ. Regensburg, Univ. Regensburg
Classification: Uncertain significance for Retinal dystrophy. Last evaluated: 2022-01-01. Review status: no assertion criteria provided. Criteria: ACMG Guidelines, 2015. Collection method: clinical testing. Allele origin: germline. Affected: yes. Not counted in ClinVar's aggregate classification.